The following is an entry in ClinVar:

NM_001145319.2(PLS1):c.1495C>A (p.Leu499Met)

Gene: PLS1 (plastin 1; plus strand). Cytogenetic location: 3q23.
Variant type: single nucleotide variant.
Coding change: c.1495C>A on transcript NM_001145319.2 (MANE Select); coding-DNA position 1495, C replaced by A.
Protein change: p.Leu499Met; replaces leucine 499 with methionine.
Molecular consequence: missense variant.
Genome position (GRCh38, 1-based): chr3:142,703,991, C>A. VCF-style: chr3-142703991-C-A. GRCh37 (hg19) VCF-style: chr3-142422833-C-A.
Other names: c.1495C>A, p.Leu499Met (NM_001172312.2, NM_002670.3); short protein forms L499M.
Identifiers: ClinVar variation 3908002 (VCV003908002.1).

ClinVar aggregate classification (germline): Uncertain significance (1 of 4 stars; one submission).

Submission:

GeneDx
Classification: Uncertain significance. Last evaluated: 2024-12-26. Review status: criteria provided, single submitter. Criteria: GeneDx Variant Classification Process June 2021. Collection method: clinical testing. Allele origin: germline. Affected: yes.
Comment: Not observed at significant frequency in large population cohorts (gnomAD); In silico analysis indicates that this missense variant does not alter protein structure/function; Has not been previously published as pathogenic or benign to our knowledge